The following is an entry in ClinVar:

ClinVar aggregate classification (germline): Conflicting classifications of pathogenicity. Review status: criteria provided, conflicting classifications (1 of 4 stars). 2 submissions from 2 submitters: Likely pathogenic (1); Uncertain significance (1). Last evaluated 2024-10-30.

Conditions:
Hyperlipoproteinemia, type I. Also called: Lipoprotein Lipase Deficiency; Hyperlipoproteinemia type 1; Hyperchylomicro-nemia familial; Familial chylomicronemia; Hyperlipemia idiopathic Burger-Grutz type; Familial hyperlipo-proteinemia type 1. Identifiers: Orphanet 309015, Orphanet 444490, MedGen C0023817, MONDO:0009387, OMIM 238600. Disease mechanism: loss of function.
Hyperlipidemia, familial combined, LPL related (FCHL3). Also called: Hyperapobetalipoproteinemia. Identifiers: MedGen C0020474, MONDO:0007759, OMIM 144250, HP:0008158.

gnomAD v4.1: 2 of 1,613,970 alleles (0.00012%); highest among the groups gnomAD compares: Admixed American, 0.0017%; no homozygotes.

Submissions (2):

Labcorp Genetics (formerly Invitae), Labcorp
Classification: Uncertain significance. Last evaluated: 2024-10-30. Review status: criteria provided, single submitter. Criteria: Invitae Variant Classification Sherloc (09022015). Collection method: clinical testing. Allele origin: germline.
Comment: This sequence change replaces arginine, which is basic and polar, with proline, which is neutral and non-polar, at codon 116 of the LPL protein (p.Arg116Pro). This variant is not present in population databases (gnomAD no frequency). This missense change has been observed in individual(s) with clinical features chylomicronemia (PMID: 32034744, 34544385). Invitae Evidence Modeling of protein sequence and biophysical properties (such as structural, functional, and spatial information, amino acid conservation, physicochemical variation, residue mobility, and thermodynamic stability) indicates that this missense variant is not expected to disrupt LPL protein function with a negative predictive value of 80%. In summary, the available evidence is currently insufficient to determine the role of this variant in disease. Therefore, it has been classified as a Variant of Uncertain Significance.

Juno Genomics, Hangzhou Juno Genomics, Inc
Classification: Likely pathogenic for Hyperlipoproteinemia, type I; Hyperlipidemia, familial combined, LPL related. Review status: criteria provided, single submitter. Criteria: ACMG Guidelines, 2015. Collection method: clinical testing. Allele origin: germline. Affected: yes.
Comment: Absent from controls (or at extremely low frequency if recessive) in Genome Aggregation Database, Exome Sequencing Project, 1000 Genomes Project, or Exome Aggregation Consortium.;Multiple lines of computational evidence support a deleterious effect on the gene or gene product (conservation, evolutionary, splicing impact, etc).;For recessive disorders, detected in trans with a pathogenic variant.;Patient's phenotype or family history is highly specific for a disease with a single genetic etiology.

Literature cited by the submitters: PubMed 32034744 (cited by Labcorp Genetics (formerly Invitae), Labcorp); PubMed 34544385 (cited by Labcorp Genetics (formerly Invitae), Labcorp).

NM_000237.3(LPL):c.347G>C (p.Arg116Pro)

Gene: LPL (lipoprotein lipase; plus strand). Cytogenetic location: 8p21.3.
Variant type: single nucleotide variant.
Coding change: c.347G>C on transcript NM_000237.3 (MANE Select); coding-DNA position 347, G replaced by C.
Protein change: p.Arg116Pro; replaces arginine 116 with proline.
Molecular consequence: missense variant.
Genome position (GRCh38, 1-based): chr8:19,951,866, G>C. VCF-style: chr8-19951866-G-C. GRCh37 (hg19) VCF-style: chr8-19809377-G-C.
Other names: short protein forms R116P.
Identifiers: ClinVar variation 3382796 (VCV003382796.4).